The following is an entry in ClinVar:

NM_004385.5(VCAN):c.1171A>G (p.Ile391Val)

Gene: VCAN (versican; plus strand). Cytogenetic location: 5q14.3.
Variant type: single nucleotide variant.
Coding change: c.1171A>G on transcript NM_004385.5 (MANE Select); coding-DNA position 1171, A replaced by G.
Protein change: p.Ile391Val; replaces isoleucine 391 with valine.
Molecular consequence: missense variant. On other transcripts: intron variant (2).
Genome position (GRCh38, 1-based): chr5:83,519,477, A>G. VCF-style: chr5-83519477-A-G. GRCh37 (hg19) VCF-style: chr5-82815296-A-G.
Other names: c.1171A>G, p.Ile391Val (NM_001164098.2); c.1042+7081A>G (NM_001164097.2, NM_001126336.3); short protein forms I391V.
Identifiers: ClinVar variation 3331927 (VCV003331927.4).

ClinVar aggregate classification (germline): Uncertain significance. Review status: criteria provided, multiple submitters, no conflicts (2 of 4 stars). 3 submissions from 3 submitters: Uncertain significance (3). Last evaluated 2025-04-01.

Conditions:
Inborn genetic diseases. Identifiers: MedGen C0950123, MeSH D030342.

gnomAD v4.1: 23 of 1,614,162 alleles (0.0014%); highest among the groups gnomAD compares: Non-Finnish European, 0.0019%; no homozygotes.

Submissions (3):

Labcorp Genetics (formerly Invitae), Labcorp
Classification: Uncertain significance. Last evaluated: 2025-04-01. Review status: criteria provided, single submitter. Criteria: Invitae Variant Classification Sherloc (09022015). Collection method: clinical testing. Allele origin: germline.
Comment: This sequence change replaces isoleucine, which is neutral and non-polar, with valine, which is neutral and non-polar, at codon 391 of the VCAN protein (p.Ile391Val). This variant is present in population databases (no rsID available, gnomAD 0.002%). This missense change has been observed in individual(s) with clinical features of VCAN-related conditions (internal data). ClinVar contains an entry for this variant (Variation ID: 3331927). An algorithm developed to predict the effect of missense changes on protein structure and function (PolyPhen-2) suggests that this variant is likely to be tolerated. In summary, the available evidence is currently insufficient to determine the role of this variant in disease. Therefore, it has been classified as a Variant of Uncertain Significance.

Ambry Genetics
Classification: Uncertain significance for Inborn genetic diseases. Last evaluated: 2024-05-14. Review status: criteria provided, single submitter. Criteria: Ambry Variant Classification Scheme 2023. Collection method: clinical testing. Allele origin: germline.

Blueprint Genetics
Classification: Uncertain significance. Last evaluated: 2020-10-08. Review status: criteria provided, single submitter. Criteria: ACMG Guidelines, 2015. Collection method: clinical testing. Allele origin: germline.